The following is an entry in ClinVar:

NM_003482.4(KMT2D):c.13464C>T (p.Asn4488=)

Gene: KMT2D (lysine methyltransferase 2D; minus strand). Cytogenetic location: 12q13.12.
Variant type: single nucleotide variant.
Coding change: c.13464C>T on transcript NM_003482.4 (MANE Select); coding-DNA position 13464, C replaced by T.
Protein change: p.Asn4488=; no amino-acid change (asparagine 4488 retained).
Molecular consequence: synonymous variant.
Genome position (GRCh38, 1-based): chr12:49,031,241, G>A on the plus strand (C>T on the coding strand, the complement: KMT2D is on the minus strand). VCF-style: chr12-49031241-G-A. GRCh37 (hg19) VCF-style: chr12-49425024-G-A.
Other names: c.13464C>T (NM_003482.3).
Identifiers: ClinVar variation 1637208 (VCV001637208.10), dbSNP rs755175905, ClinGen allele CA6546017.

ClinVar aggregate classification (germline): Likely benign. Review status: criteria provided, single submitter (1 of 4 stars). 2 submissions from 2 submitters: Likely benign (1). 1 of the submissions does not count toward it. Last evaluated 2024-05-15.

Conditions:
KMT2D-related disorder. Also called: KMT2D-Related Disorders.
Kabuki syndrome. Also called: NIIKAWA-KUROKI SYNDROME; Kabuki make-up syndrome. Identifiers: Orphanet 2322, MedGen C0796004, MONDO:0016512.

Allele frequency attached by ClinVar (database versions not stated): gnomAD 0.00001; TOPMed 0.00001; ExAC 0.00002; gnomAD exomes 0.00002.
gnomAD v4.1: 26 of 1,612,790 alleles (0.0016%); highest among the groups gnomAD compares: Middle Eastern, 0.049%; no homozygotes.

Submissions (2):

Labcorp Genetics (formerly Invitae), Labcorp
Classification: Likely benign for Kabuki syndrome. Last evaluated: 2024-05-15. Review status: criteria provided, single submitter. Criteria: Invitae Variant Classification Sherloc (09022015). Collection method: clinical testing. Allele origin: germline.

PreventionGenetics, part of Exact Sciences
Classification: Likely benign for KMT2D-related condition. Last evaluated: 2022-04-20. Review status: no assertion criteria provided. Collection method: clinical testing. Allele origin: germline. Not counted in ClinVar's aggregate classification.
Comment: This variant is classified as likely benign based on ACMG/AMP sequence variant interpretation guidelines (Richards et al. 2015 PMID: 25741868, with internal and published modifications).